The following is an entry in ClinVar:

ClinVar aggregate classification (germline): Uncertain significance (1 of 4 stars; one submission).

Allele frequency attached by ClinVar (database versions not stated): gnomAD 0.00001; gnomAD exomes below 0.00001.

Submission:

Labcorp Genetics (formerly Invitae), Labcorp
Classification: Uncertain significance. Last evaluated: 2022-09-01. Review status: criteria provided, single submitter. Criteria: Invitae Variant Classification Sherloc (09022015). Collection method: clinical testing. Allele origin: germline.
Comment: In summary, the available evidence is currently insufficient to determine the role of this variant in disease. Therefore, it has been classified as a Variant of Uncertain Significance. Algorithms developed to predict the effect of missense changes on protein structure and function (SIFT, PolyPhen-2, Align-GVGD) all suggest that this variant is likely to be disruptive. ClinVar contains an entry for this variant (Variation ID: 1496549). This variant has not been reported in the literature in individuals affected with SZT2-related conditions. This variant is not present in population databases (gnomAD no frequency). This sequence change replaces arginine, which is basic and polar, with cysteine, which is neutral and slightly polar, at codon 2093 of the SZT2 protein (p.Arg2093Cys).

NM_001365999.1(SZT2):c.6448C>T (p.Arg2150Cys)

Gene: SZT2 (SZT2 subunit of KICSTOR complex; plus strand). Cytogenetic location: 1p34.2.
Variant type: single nucleotide variant.
Coding change: c.6448C>T on transcript NM_001365999.1 (MANE Select); coding-DNA position 6448, C replaced by T.
Protein change: p.Arg2150Cys; replaces arginine 2150 with cysteine.
Molecular consequence: missense variant.
Genome position (GRCh38, 1-based): chr1:43,437,842, C>T. VCF-style: chr1-43437842-C-T. GRCh37 (hg19) VCF-style: chr1-43903513-C-T.
Other names: c.6277C>T, p.Arg2093Cys (NM_015284.4); short protein forms R2093C, R2150C.
Identifiers: ClinVar variation 1496549 (VCV001496549.6), dbSNP rs1357514772, ClinGen allele CA340029666.
Genomic context (GRCh38, chr1:43,437,842, plus strand): 5'-TCCCTGTAGGGTCCTCGTTCTCCCTTAGACATGGTCTCTAGCCGCAGTTCAGATGCTGCT[C>T]GTCCTGTGGGCCAAGTGGACAGACATATCCAGCTGCTGGTCCATGGTGTTGGGCAGGCAG-3'
Protein context (NP_001352928.1, residues 2140-2160): MVSSRSSDAA[Arg2150Cys]PVGQVDRHIQ